The following is an entry in ClinVar:

ClinVar aggregate classification (germline): Uncertain significance (1 of 4 stars; one submission).

gnomAD v4.1: 1 of 1,610,544 alleles (0.000062%); highest among the groups gnomAD compares: African/African-American, 0.0013%; no homozygotes.

Submission:

GeneDx
Classification: Uncertain significance. Last evaluated: 2024-05-15. Review status: criteria provided, single submitter. Criteria: GeneDx Variant Classification Process June 2021. Collection method: clinical testing. Allele origin: germline. Affected: yes.
Comment: Not observed at significant frequency in large population cohorts (gnomAD); In silico analysis supports that this missense variant has a deleterious effect on protein structure/function; Has not been previously published as pathogenic or benign to our knowledge

NM_001009944.3(PKD1):c.1256G>C (p.Cys419Ser)

Gene: PKD1 (polycystin 1, transient receptor potential channel interacting; minus strand). Cytogenetic location: 16p13.3.
Variant type: single nucleotide variant.
Coding change: c.1256G>C on transcript NM_001009944.3 (MANE Select); coding-DNA position 1256, G replaced by C.
Protein change: p.Cys419Ser; replaces cysteine 419 with serine.
Molecular consequence: missense variant.
Genome position (GRCh38, 1-based): chr16:2,117,618, C>G on the plus strand (G>C on the coding strand, the complement: PKD1 is on the minus strand). VCF-style: chr16-2117618-C-G. GRCh37 (hg19) VCF-style: chr16-2167619-C-G.
Other names: c.1256G>C, p.Cys419Ser (NM_000296.4); short protein forms C419S.
Identifiers: ClinVar variation 3378191 (VCV003378191.1).